The following is an entry in ClinVar:

NM_000551.4(VHL):c.210_211insA (p.Pro71fs)

Gene: VHL (von Hippel-Lindau tumor suppressor; plus strand). Cytogenetic location: 3p25.3.
Variant type: Insertion.
Coding change: c.210_211insA on transcript NM_000551.4 (MANE Select); coding-DNA positions 210 to 211, A inserted.
Protein change: p.Pro71fs; shifts the reading frame from proline 71.
Molecular consequence: frameshift variant. On other transcripts: non-coding transcript variant (1).
Genome position: GRCh38 VCF-style: chr3-10142057-G-GA. GRCh37 (hg19) VCF-style: chr3-10183741-G-GA.
Other names: c.210_211insA, p.Pro71fs (NM_001354723.2, NM_198156.3); short protein forms P71fs.
Identifiers: ClinVar variation 3754754 (VCV003754754.2).

ClinVar aggregate classification (germline): Pathogenic (1 of 4 stars; one submission).

Conditions:
Chuvash polycythemia. Also called: POLYCYTHEMIA, VHL-DEPENDENT. Identifiers: Orphanet 238557, MedGen C1837915, MONDO:0009892, OMIM 263400.
Von Hippel-Lindau syndrome (VHLS). Also called: VHL syndrome; von Hippel–Lindau syndrome; Von Hippel-Lindau. Identifiers: Orphanet 892, MedGen C0019562, MONDO:0008667, OMIM 193300. Disease mechanism: loss of function.

Submission:

Labcorp Genetics (formerly Invitae), Labcorp
Classification: Pathogenic for Von Hippel-Lindau syndrome; Chuvash polycythemia. Last evaluated: 2024-03-05. Review status: criteria provided, single submitter. Criteria: Invitae Variant Classification Sherloc (09022015). Collection method: clinical testing. Allele origin: germline.
Comment: This sequence change creates a premature translational stop signal (p.Pro71Thrfs*61) in the VHL gene. While this is not anticipated to result in nonsense mediated decay, it is expected to disrupt the last 143 amino acid(s) of the VHL protein. This variant is not present in population databases (gnomAD no frequency). This variant has not been reported in the literature in individuals affected with VHL-related conditions. This variant disrupts a region of the VHL protein in which other variant(s) (p.Ser183*) have been determined to be pathogenic (PMID: 8707293, 10567493, 11309459). This suggests that this is a clinically significant region of the protein, and that variants that disrupt it are likely to be disease-causing. For these reasons, this variant has been classified as Pathogenic.

Literature cited by the submitters: PubMed 8707293; PubMed 10567493; PubMed 11309459.